The following is an entry in ClinVar:

ClinVar aggregate classification (germline): Pathogenic. Review status: reviewed by expert panel (3 of 4 stars). 4 submissions from 4 submitters: Pathogenic (1). 3 of the submissions do not count toward it. Last evaluated 2025-10-22.

Conditions:
Anauxetic dysplasia. Identifiers: Orphanet 93347, MedGen C1846796, MONDO:0011773.
Metaphyseal chondrodysplasia, McKusick type (CHH). Also called: Cartilage-hair hypoplasia; Cartilage-Hair Hypoplasia (CHH). Identifiers: Orphanet 175, MedGen C0220748, MONDO:0009595, OMIM 250250.

Submissions (4):

ClinGen Severe Combined Immunodeficiency Variant Curation Expert Panel, ClinGen
Classification: Pathogenic for Metaphyseal chondrodysplasia, McKusick type. Last evaluated: 2025-10-22. Review status: reviewed by expert panel. Criteria: ClinGen SCID ACMG Specifications RMRP V1.2.0. Collection method: curation. Allele origin: germline. Inheritance: Autosomal recessive inheritance.
Comment: The NC_000009.12:g.35658023_35658044dup variant is a 22-base duplication upstream of the transcribed region of the RMRP gene. This variant is also known as NR_003051.4(RMRP):n.-24_-3dup or g.–25_–4dup22TACTACTCTGTGAAGCTGAGAA. It locates between the TATA box (spanning n.-32 to n.-24) and the transcription start site (n.4) (PM1_Strong). It inserts 22 nucleotides that increases the distance between the TATA box and the transcription start site (PM4_Moderate). The Grpmax Filtering allele frequency of this variant is 0.000004890 in gnomAD v4.1.0, which is lower than the SCID-VCEP threshold (<0.0000447) for PM2_Supporting (PM2_Supporting). The total score is 2.0 meeting this criterion PM3_Strong. (PMID: 32021596). Among these cases, two affected siblings have been described (PP1_Moderate). At least one patient presented with metaphyseal dysplasia (+1.0 points) and hypotrichosis (+0.5 points). PP4 is met. In summary, this variant is classified as pathogenic for Autosomal Recessive Cartilage Hair Hypoplasia based on the ACMG/AMP criteria applied, as specified by the ClinGen SCID VCEP: PM2_Supporting, PM1_Strong, PM4_Moderate, PM3_Strong, PP1_Moderate, PP4 (SCID VCEP specifications version 1).

Natera, Inc.
Classification: Likely pathogenic for Cartilage-hair hypoplasia. Last evaluated: 2024-11-14. Review status: criteria provided, single submitter. Criteria: Natera Variant Classification Schema (03/2026). Collection method: clinical testing. Allele origin: germline. Not counted in ClinVar's aggregate classification.
Comment: The n.-25_-4dupTACTACTCTGTGAAGCTGAGGA variant in RMRP is a duplication affecting the RMRP promoter region between the TATA box and the transcription initiation site. Other duplications and insertions just upstream of the transcription initiation site have been reported in individuals affected with cartilage-hair hypoplasia (PMID: 11207361, 17937437). This variant is rare in the general population with a frequency below the threshold expected for the associated phenotype(s). Given the available evidence, this variant is classified as Likely pathogenic.

Laboratorio de Biologia Molecular/Medicina Genomica - IFF/Fiocruz, Instituto Fernandes Figueira, Fundacao Oswaldo Cruz
Classification: Pathogenic for Metaphyseal chondrodysplasia, McKusick type. Last evaluated: 2024-01-25. Review status: criteria provided, single submitter. Criteria: ACMG Guidelines, 2015. Collection method: clinical testing. Allele origin: germline. Affected: yes. Observed: 9 variant alleles. Not counted in ClinVar's aggregate classification.
Comment: This alteration is located within the promoter region of the RMRP gene, which encodes an untranslated RNA. Other insertions and duplications in this region have been reported in individuals affected with cartilage-hair hypoplasia-anauxetic dysplasia spectrum disorders (PMID: 11207361, 21956908, 21396580). This variant involves the duplication of 22 nucleotides between the TATA box and the transcription initiation site and functional studies have shown that this type of alteration result in reduced expression of the RMRP gene (PMIDs: 11207361, 16254002). For these reasons, this variant has been classified as Pathogenic.

Labcorp Genetics (formerly Invitae), Labcorp
Classification: Pathogenic for Anauxetic dysplasia. Last evaluated: 2023-11-28. Review status: criteria provided, single submitter. Criteria: Invitae Variant Classification Sherloc (09022015). Collection method: clinical testing. Allele origin: germline. Not counted in ClinVar's aggregate classification.
Comment: This variant occurs in the RMRP gene, which encodes an RNA molecule that does not result in a protein product. This variant is present in population databases (no rsID available, gnomAD 0.007%). This variant has been observed in individuals with cartilage-hair hypoplasia (PMID: 32021596). Other insertions and duplications immediately upstream of the coding sequence have been reported in individuals affected with cartilage-hair hypoplasia-anauxetic dysplasia (CHH-AD) spectrum disorders (PMID: 16244706, 11207361, 12107819). While functional studies for this variant have not been reported, experimental analyses using patient derived cells, as well as in vitro transfection studies, have shown that promoter insertions result in silencing of RMRP transcription and reduced expression of the gene product (PMID: 11207361, 16254002). For these reasons, this variant has been classified as Pathogenic.

Literature cited by the submitters: PubMed 11207361 (cited by Natera, Inc. and Labcorp Genetics (formerly Invitae), Labcorp); PubMed 17937437 (cited by Natera, Inc.); PubMed 32021596 (cited by Laboratorio de Biologia Molecular/Medicina Genomica - IFF/Fiocruz, Instituto Fernandes Figueira, Fundacao Oswaldo Cruz and Labcorp Genetics (formerly Invitae), Labcorp); PubMed 16244706 (cited by Labcorp Genetics (formerly Invitae), Labcorp); PubMed 12107819 (cited by Labcorp Genetics (formerly Invitae), Labcorp); PubMed 16254002 (cited by Labcorp Genetics (formerly Invitae), Labcorp).

NR_003051.4(RMRP):n.-24_-3dup

Gene: RMRP (RNA component of mitochondrial RNA processing endoribonuclease; minus strand). Cytogenetic location: 9p13.3.
Variant type: Duplication.
Genome position: GRCh38 VCF-style: chr9-35658021-G-GTCCTCAGCTTCACAGAGTAGTA. GRCh37 (hg19) VCF-style: chr9-35658018-G-GTCCTCAGCTTCACAGAGTAGTA.
Identifiers: ClinVar variation 1454754 (VCV001454754.10), dbSNP rs1554651423, ClinGen allele CA587570196.